The following is an entry in ClinVar:

NM_018124.4(RFWD3):c.2009T>C (p.Met670Thr)

Gene: RFWD3 (ring finger and WD repeat domain 3; minus strand). Cytogenetic location: 16q23.1.
Variant type: single nucleotide variant.
Coding change: c.2009T>C on transcript NM_018124.4 (MANE Select); coding-DNA position 2009, T replaced by C.
Protein change: p.Met670Thr; replaces methionine 670 with threonine.
Molecular consequence: missense variant.
Genome position (GRCh38, 1-based): chr16:74,626,515, A>G on the plus strand (T>C on the coding strand, the complement: RFWD3 is on the minus strand). VCF-style: chr16-74626515-A-G. GRCh37 (hg19) VCF-style: chr16-74660413-A-G.
Other names: c.1175T>C, p.Met392Thr (NM_001370543.1, NM_001370537.1, NM_001370539.1 and 2 more transcripts); c.2009T>C, p.Met670Thr (NM_001370534.1, NM_001370535.1); c.1832T>C, p.Met611Thr (NM_001370536.1); short protein forms M392T, M670T, M611T.
Identifiers: ClinVar variation 3661366 (VCV003661366.2).

ClinVar aggregate classification (germline): Uncertain significance (1 of 4 stars; one submission).

Submission:

Labcorp Genetics (formerly Invitae), Labcorp
Classification: Uncertain significance. Last evaluated: 2024-10-10. Review status: criteria provided, single submitter. Criteria: Invitae Variant Classification Sherloc (09022015). Collection method: clinical testing. Allele origin: germline.
Comment: This sequence change replaces methionine, which is neutral and non-polar, with threonine, which is neutral and polar, at codon 670 of the RFWD3 protein (p.Met670Thr). This variant is not present in population databases (gnomAD no frequency). This variant has not been reported in the literature in individuals affected with RFWD3-related conditions. An algorithm developed to predict the effect of missense changes on protein structure and function (PolyPhen-2) suggests that this variant is likely to be disruptive. In summary, the available evidence is currently insufficient to determine the role of this variant in disease. Therefore, it has been classified as a Variant of Uncertain Significance.